The following is an entry in ClinVar:

ClinVar aggregate classification (germline): Likely pathogenic. Review status: criteria provided, multiple submitters, no conflicts (2 of 4 stars). 2 submissions from 2 submitters: Likely pathogenic (2). Last evaluated 2024-09-01.

Conditions:
Atypical hemolytic-uremic syndrome with I factor anomaly. Also called: HEMOLYTIC UREMIC SYNDROME, ATYPICAL, SUSCEPTIBILITY TO, 3; AHUS, SUSCEPTIBILITY TO, 3. Identifiers: Orphanet 2134, MedGen C2752039, MONDO:0013041, OMIM 612923.
Factor I deficiency (CFID). Also called: Complement factor I deficiency. Identifiers: Orphanet 200418, MedGen C3463916, MONDO:0012594, OMIM 610984.
Age related macular degeneration 13. Identifiers: MedGen C3809523, MONDO:0014189, OMIM 615439.

gnomAD v4.1: 2 of 1,611,922 alleles (0.00012%); highest among the groups gnomAD compares: Admixed American, 0.0033%; no homozygotes.

Submissions (2):

Labcorp Genetics (formerly Invitae), Labcorp
Classification: Likely pathogenic. Last evaluated: 2024-09-01. Review status: criteria provided, single submitter. Criteria: Invitae Variant Classification Sherloc (09022015). Collection method: clinical testing. Allele origin: germline.
Comment: This sequence change affects an acceptor splice site in intron 7 of the CFI gene. It is expected to disrupt RNA splicing. Variants that disrupt the donor or acceptor splice site typically lead to a loss of protein function (PMID: 16199547), and loss-of-function variants in CFI are known to be pathogenic (PMID: 15917334, 16621965, 19065647, 20016463, 22710145). This variant is not present in population databases (gnomAD no frequency). This variant has not been reported in the literature in individuals affected with CFI-related conditions. Algorithms developed to predict the effect of sequence changes on RNA splicing suggest that this variant may disrupt the consensus splice site. In summary, the currently available evidence indicates that the variant is pathogenic, but additional data are needed to prove that conclusively. Therefore, this variant has been classified as Likely Pathogenic.

Fulgent Genetics
Classification: Likely pathogenic for Factor I deficiency; Atypical hemolytic-uremic syndrome with I factor anomaly; Age related macular degeneration 13. Last evaluated: 2024-05-08. Review status: criteria provided, single submitter. Criteria: ACMG Guidelines, 2015. Collection method: clinical testing. Allele origin: germline.

Literature cited by the submitters: PubMed 16199547 (cited by Labcorp Genetics (formerly Invitae), Labcorp); PubMed 15917334 (cited by Labcorp Genetics (formerly Invitae), Labcorp); PubMed 16621965 (cited by Labcorp Genetics (formerly Invitae), Labcorp); PubMed 19065647 (cited by Labcorp Genetics (formerly Invitae), Labcorp); PubMed 20016463 (cited by Labcorp Genetics (formerly Invitae), Labcorp); PubMed 22710145 (cited by Labcorp Genetics (formerly Invitae), Labcorp).

NM_000204.5(CFI):c.905-1G>C

Gene: CFI (complement factor I; minus strand). Cytogenetic location: 4q25.
Variant type: single nucleotide variant.
Coding change: c.905-1G>C on transcript NM_000204.5 (MANE Select); the canonical splice acceptor site of the intron before coding-DNA position 905, G replaced by C.
Molecular consequence: splice acceptor variant. On other transcripts: intron variant (1).
Genome position (GRCh38, 1-based): chr4:109,752,504, C>G on the plus strand (G>C on the coding strand, the complement: CFI is on the minus strand). VCF-style: chr4-109752504-C-G. GRCh37 (hg19) VCF-style: chr4-110673660-C-G.
Other names: c.884-1G>C (NM_001375282.1, NM_001375280.1, NM_001331035.2); c.905-1G>C (NM_001375281.1, NM_001375279.1); c.929-1G>C (NM_001375278.1, NM_001318057.2); c.296-1G>C (NM_001375284.1); c.884-2902G>C (NM_001375283.1).
Identifiers: ClinVar variation 3589758 (VCV003589758.2).